The following is an entry in ClinVar:

NM_004415.4(DSP):c.137G>A (p.Gly46Asp)

Genes: DSP (desmoplakin; plus strand), DSP-AS1 (DSP antisense RNA 1; minus strand). Cytogenetic location: 6p24.3.
Variant type: single nucleotide variant.
Coding change: c.137G>A on transcript NM_004415.4 (MANE Select); coding-DNA position 137, G replaced by A.
Protein change: p.Gly46Asp; replaces glycine 46 with aspartic acid.
Molecular consequence: missense variant.
Genome position (GRCh38, 1-based): chr6:7,542,052, G>A. VCF-style: chr6-7542052-G-A. GRCh37 (hg19) VCF-style: chr6-7542285-G-A.
Other names: c.137G>A (LRG_423t1, NM_004415.3); c.137G>A, p.Gly46Asp (NM_001008844.3, NM_001319034.2); short protein forms G46D.
Identifiers: ClinVar variation 451932 (VCV000451932.29), dbSNP rs140403872, ClinGen allele CA027812.

ClinVar aggregate classification (germline): Conflicting classifications of pathogenicity. Review status: criteria provided, conflicting classifications (1 of 4 stars). 10 submissions from 10 submitters: Uncertain significance (9); Likely benign (1). Last evaluated 2026-03-08.

Conditions:
DSP-related disorder. Also called: DSP-related disorders; DSP-related condition.
Cardiovascular phenotype. Identifiers: MedGen CN230736.
Woolly hair-skin fragility syndrome (WHSF). Identifiers: Orphanet 293165, MedGen C1843292, MONDO:0957307, OMIM 620415.
Lethal acantholytic epidermolysis bullosa (EBLA). Identifiers: Orphanet 158687, MedGen C1864826, MONDO:0012323, OMIM 609638.
Keratosis palmoplantaris striata 2. Also called: KERATODERMA, PALMOPLANTAR, STRIATE FORM II; STRIATE PALMOPLANTAR KERATODERMA II; Keratosis palmoplantaris striata II. Identifiers: MedGen C1852127, MONDO:0013034, OMIM 612908.
Arrhythmogenic right ventricular dysplasia 8 (ARVD8). Also called: Arrhythmogenic Right Ventricular Dysplasia/Cardiomyopathy 8; ARRHYTHMOGENIC RIGHT VENTRICULAR DYSPLASIA, FAMILIAL, 8; ARRHYTHMOGENIC RIGHT VENTRICULAR CARDIOMYOPATHY 8. Identifiers: MedGen C1843896, MONDO:0011831, OMIM 607450.
Arrhythmogenic cardiomyopathy with wooly hair and keratoderma. Also called: Arrhythmogenic cardiomyopathy with woolly hair and keratoderma; PALMOPLANTAR KERATODERMA WITH LEFT VENTRICULAR CARDIOMYOPATHY AND WOOLLY HAIR; Carvajal syndrome; Dilated cardiomyopathy with woolly hair and keratoderma. Identifiers: Orphanet 65282, MedGen C1854063, MONDO:0011581, OMIM 605676.
Cardiomyopathy, dilated, with wooly hair, keratoderma, and tooth agenesis. Also called: Cardiomyopathy, dilated, with woolly hair, keratoderma, and tooth agenesis; Erythrokeratodermia-cardiomyopathy syndrome. Identifiers: Orphanet 476096, Orphanet 65282, MedGen C4014393, MONDO:0014355, OMIM 615821.
Cardiomyopathy (CMYO). Also called: Cardiomyopathies. Identifiers: Orphanet 167848, MedGen C0878544, MONDO:0004994, HP:0001638. Inheritance: Various modes of inheritance.
Primary dilated cardiomyopathy (DCM). Also called: Dilated Cardiomyopathy. Identifiers: Orphanet 217604, MedGen C0007193, MeSH D002311, MONDO:0005021, HP:0001644. Inheritance: Various modes of inheritance.

Allele frequency attached by ClinVar (database versions not stated): gnomAD exomes 0.00002 and 0.00005; TOPMed 0.00002; ExAC 0.00004; gnomAD 0.00004; ESP Exome Variant Server 0.00008.
gnomAD v4.1: 73 of 1,571,722 alleles (0.0046%); highest among the groups gnomAD compares: Non-Finnish European, 0.006%; no homozygotes.

Submissions 1 to 7 of 10:

PreventionGenetics, part of Exact Sciences
Classification: Uncertain significance for DSP-related condition. Last evaluated: 2026-03-08. Review status: criteria provided, single submitter. Criteria: ACMG Guidelines, 2015. Collection method: clinical testing. Allele origin: germline.
Comment: The DSP c.137G>A variant is predicted to result in the amino acid substitution p.Gly46Asp. This variant has been reported in individuals with dilated or hypertrophic cardiomyopathy; however, some of these individuals also carried causative variants in other genes associated with cardiomyopathy (RBM20 gene in case #1212 in Supplementary File 2, van Lint et al. 2019. PubMed ID: 30847666; GLA gene in patient #10 in Table 1, Bottillo et al. 2016. PubMed ID: 26656175; TTN gene in patient #1 in Table 4, Boen et al. 2022. PubMed ID: 35581137). This variant has also been reported in a digenic inheritance pattern to co-segregate with eosinophilic esophagitis in one family; however, this gene-disease relationship remains uncertain (Shoda et al. 2021. PubMed ID: 34815391). This variant is reported in 0.0059% of alleles in individuals of European (Non-Finnish) descent in gnomAD and has conflicting interpretations regarding its pathogenicity in ClinVar, ranging from likely benign to uncertain (Variation ID: 451932). At this time, the clinical significance of this variant is uncertain due to the absence of conclusive functional and genetic evidence.

Labcorp Genetics (formerly Invitae), Labcorp
Classification: Likely benign for Arrhythmogenic cardiomyopathy with wooly hair and keratoderma; Arrhythmogenic right ventricular dysplasia 8. Last evaluated: 2025-12-08. Review status: criteria provided, single submitter. Criteria: Invitae Variant Classification Sherloc (09022015). Collection method: clinical testing. Allele origin: germline.

All of Us Research Program, National Institutes of Health
Classification: Uncertain significance for Arrhythmogenic cardiomyopathy with wooly hair and keratoderma. Last evaluated: 2024-09-11. Review status: criteria provided, single submitter. Criteria: ACMG Guidelines, 2015. Collection method: clinical testing. Allele origin: germline. Inheritance: Autosomal dominant inheritance. Observed: 15 variant alleles, 15 heterozygotes.
Comment: This missense variant replaces glycine with aspartic acid at codon 46 of the DSP protein. Computational prediction suggests that this variant may not impact protein structure and function (internally defined REVEL score threshold <= 0.5, PMID: 27666373). To our knowledge, functional studies have not been reported for this variant. This variant has been reported in three individuals affected with hypertrophic cardiomyopathy (PMID: 26656175), dilated cardiomyopathy (PMID: 35581137), and unspecified cardiomyopathy (PMID: 30847666). Two of these individuals also carried a pathogenic variant in another gene that could explain the observed phenotypes in these individuals (PMID: 26656175, 35581137). This variant has been identified in 5/205620 chromosomes in the general population by the Genome Aggregation Database (gnomAD). The available evidence is insufficient to determine the role of this variant in disease conclusively. Therefore, this variant is classified as a Variant of Uncertain Significance.

This study involves interpretation of variants in research participants for the purpose of population health screening. Participant phenotype was not available at the time of variant classification. Additional details can be found in publication PMID: 35346344, PMCID: PMC8962531

Ambry Genetics
Classification: Uncertain significance for Cardiovascular phenotype. Last evaluated: 2024-08-28. Review status: criteria provided, single submitter. Criteria: Ambry Variant Classification Scheme 2023. Collection method: clinical testing. Allele origin: germline.
Comment: The p.G46D variant (also known as c.137G>A), located in coding exon 1 of the DSP gene, results from a G to A substitution at nucleotide position 137. The glycine at codon 46 is replaced by aspartic acid, an amino acid with similar properties. This variant was reported in a hypertrophic cardiomyopathy (HCM) case with additional co-occurring cardic variants also detected (Bottillo I et al. Gene, 2016 Feb;577:227-35). This variant was also detected in a cardiomyopathy genetic testing cohort; however, clinical details were limited, and additional cardiac variants were detected in some cases (van Lint FHM et al. Neth Heart J, 2019 Jun;27:304-309). This amino acid position is poorly conserved in available vertebrate species. In addition, this alteration is predicted to be tolerated by in silico analysis. Since supporting evidence is limited at this time, the clinical significance of this alteration remains unclear.

Color Diagnostics, LLC DBA Color Health
Classification: Uncertain significance for Cardiomyopathy. Last evaluated: 2024-04-09. Review status: criteria provided, single submitter. Criteria: ACMG Guidelines, 2015. Collection method: clinical testing. Allele origin: germline.
Comment: This missense variant replaces glycine with aspartic acid at codon 46 of the DSP protein. Computational prediction suggests that this variant may not impact protein structure and function (internally defined REVEL score threshold <= 0.5, PMID: 27666373). To our knowledge, functional studies have not been reported for this variant. This variant has been reported in three individuals affected with hypertrophic cardiomyopathy (PMID: 26656175), dilated cardiomyopathy (PMID: 35581137), and unspecified cardiomyopathy (PMID: 30847666). Two of these individuals also carried a pathogenic variant in another gene that could explain the observed phenotypes in these individuals (PMID: 26656175, 35581137). This variant has been identified in 5/205620 chromosomes in the general population by the Genome Aggregation Database (gnomAD). The available evidence is insufficient to determine the role of this variant in disease conclusively. Therefore, this variant is classified as a Variant of Uncertain Significance.

Women's Health and Genetics/Laboratory Corporation of America, LabCorp
Classification: Uncertain significance. Last evaluated: 2023-10-27. Review status: criteria provided, single submitter. Criteria: LabCorp Variant Classification Summary - May 2015. Collection method: clinical testing. Allele origin: germline.
Comment: Variant summary: DSP c.137G>A (p.Gly46Asp) results in a non-conservative amino acid change in the encoded protein sequence. Four of five in-silico tools predict a benign effect of the variant on protein function. The variant allele was found at a frequency of 1.7e-05 in 174248 control chromosomes (gnomAD). The available data on variant occurrences in the general population are insufficient to allow any conclusion about variant significance. c.137G>A has been reported in the literature in individuals affected with Hypertrophic cardiomyopathy, Dilated cardiomyopathy, unspecified cardiomyopathies or Eosinophilic esophagitis (Patel_2014, Bottillo_2015, van Lint_2019, Shoda_2021) These reports do not provide unequivocal conclusions about association of the variant with Arrhythmogenic Right Ventricular Dysplasia/Cardiomyopathy. At least one publication reports experimental evidence evaluating an impact on protein function, however, does not allow convincing conclusions about the variant effect (Shoda_2021). The following publications have been ascertained in the context of this evaluation (PMID: 27054166, 26656175, 25225338, 34815391, 30847666). Six submitters have cited clinical-significance assessments for this variant to ClinVar after 2014 and classified this variant as likely benign (n=1) and uncertain significance (n=5). Based on the evidence outlined above, the variant was classified as uncertain significance.

CHEO Genetics Diagnostic Laboratory, Children's Hospital of Eastern Ontario
Classification: Uncertain significance for Cardiomyopathy. Last evaluated: 2021-11-30. Review status: criteria provided, single submitter. Criteria: ACMG Guidelines, 2015. Collection method: clinical testing. Allele origin: germline.